The following is an entry in ClinVar:

NM_017780.4(CHD7):c.3088A>G (p.Asn1030Asp)

Gene: CHD7 (chromodomain helicase DNA binding protein 7; plus strand). Cytogenetic location: 8q12.2.
Variant type: single nucleotide variant.
Coding change: c.3088A>G on transcript NM_017780.4 (MANE Select); coding-DNA position 3088, A replaced by G.
Protein change: p.Asn1030Asp; replaces asparagine 1030 with aspartic acid.
Molecular consequence: missense variant. On other transcripts: intron variant (1).
Genome position (GRCh38, 1-based): chr8:60,822,633, A>G. VCF-style: chr8-60822633-A-G. GRCh37 (hg19) VCF-style: chr8-61735192-A-G.
Other names: c.1717-39596A>G (NM_001316690.1); short protein forms N1030D.
Identifiers: ClinVar variation 4813484 (VCV004813484.1).
Genomic context (GRCh38, chr8:60,822,633, plus strand): 5'-ATATATTTGAAAGGAATCCATGGCCCTTTTTTAGTAATTGCCCCATTGTCCACAATCCCC[A>G]ACTGGGAAAGGGAATTCCGAACCTGGACAGAGTTGAACGTGGTTGTGTATCATGGGAGTC-3'
Protein context (NP_060250.2, residues 1020-1040): LVIAPLSTIP[Asn1030Asp]WEREFRTWTE

ClinVar aggregate classification (germline): Likely pathogenic (1 of 4 stars; one submission).

Conditions:
CHD7-related CHARGE syndrome. Identifiers: MedGen CN380413, MONDO:1010178, OMIM 214800.

Submission:

MVZ Praenatalmedizin und Genetik Nuernberg
Classification: Likely pathogenic for CHD7-related CHARGE syndrome. Last evaluated: 2023-09-14. Review status: criteria provided, single submitter. Criteria: ACMG Guidelines, 2015. Collection method: clinical testing. Allele origin: germline. Affected: yes.
Comment: It is located in exon 12 of 38 of the CHD7 gene and leads to a replacement of the highly conserved amino acid asparagine with aspartic acid in the helicase ATP-binding domain of the protein (GERP: 5.53). This variant has not yet been annotated in ClinVar or gnomAD, nor has it been described in the literature. In silico predictions consistently indicate at a pathogenic effect the variant (CADD 27.3, REVEL 0.925, MetaRNN 0.95). An alternative substitution at the same amino acid position is already annotated as pathogenic in ClinVar (c.3089A>G, (p.Asn1030Ser), PMIDs: 25077900, 21041284). Another alternative substitution is listed as unclear in ClinVar (c.3089A>C, (p.Asn1030Thr)). In summary, based on the current data and taking into account the clinical data of the patient, we assess the change detected here to be a likely pathogenic variant.

Literature cited by the submitters: PubMed 25077900; PubMed 21041284.